The following is an entry in ClinVar:

ClinVar aggregate classification (germline): Pathogenic (1 of 4 stars; one submission).

Conditions:
Autosomal recessive polycystic kidney disease (ARPKD). Also called: AR polycystic kidney disease. Identifiers: Orphanet 731, Orphanet 8378, MedGen C0085548, MeSH D017044, MONDO:0009889.

Submission:

Labcorp Genetics (formerly Invitae), Labcorp
Classification: Pathogenic for Autosomal recessive polycystic kidney disease. Last evaluated: 2022-10-11. Review status: criteria provided, single submitter. Criteria: Invitae Variant Classification Sherloc (09022015). Collection method: clinical testing. Allele origin: germline.
Comment: This variant has not been reported in the literature in individuals affected with PKHD1-related conditions. This variant is not present in population databases (gnomAD no frequency). This sequence change creates a premature translational stop signal (p.Phe1343Serfs*5) in the PKHD1 gene. It is expected to result in an absent or disrupted protein product. Loss-of-function variants in PKHD1 are known to be pathogenic (PMID: 19940839). ClinVar contains an entry for this variant (Variation ID: 1364673). For these reasons, this variant has been classified as Pathogenic.

Literature cited by the submitters: PubMed 19940839.

NM_138694.4(PKHD1):c.4026del (p.Phe1343fs)

Gene: PKHD1 (PKHD1 ciliary IPT domain containing fibrocystin/polyductin; minus strand). Cytogenetic location: 6p12.2.
Variant type: Deletion.
Coding change: c.4026del on transcript NM_138694.4 (MANE Select); coding-DNA position 4026, one base deleted (C; older notation c.4026delC).
Protein change: p.Phe1343fs; shifts the reading frame from phenylalanine 1343.
Molecular consequence: frameshift variant.
Genome position (GRCh38, 1-based): chr6:52,025,784, G deleted on the plus strand (C on the coding strand, the reverse complement: PKHD1 is on the minus strand); the first of 2 consecutive G bases (chr6:52,025,784-52,025,785); deleting either gives the same sequence. VCF-style (leftmost placement, unchanged base first): chr6-52025783-AG-A. GRCh37 (hg19) VCF-style: chr6-51890581-AG-A.
Other names: c.4026del, p.Phe1343fs (NM_170724.3); short protein forms F1343fs.
Identifiers: ClinVar variation 1364673 (VCV001364673.6), dbSNP rs2128145291, ClinGen allele CA2573140979.